The following is an entry in ClinVar:

NM_001698.3(AUH):c.613dup (p.Met205fs)

Gene: AUH (AU RNA binding methylglutaconyl-CoA hydratase; minus strand). Cytogenetic location: 9q22.31.
Variant type: Duplication.
Coding change: c.613dup on transcript NM_001698.3 (MANE Select); coding-DNA position 613, one base duplicated (A; older notation c.613dupA).
Protein change: p.Met205fs; shifts the reading frame from methionine 205.
Molecular consequence: frameshift variant.
Genome position (GRCh38, 1-based): chr9:91,296,063, T duplicated on the plus strand (A on the coding strand, the reverse complement: AUH is on the minus strand); the first of 5 consecutive T bases (chr9:91,296,063-91,296,067); duplicating any one gives the same sequence. VCF-style (leftmost placement, unchanged base first): chr9-91296062-A-AT. GRCh37 (hg19) VCF-style: chr9-94058344-A-AT.
Other names: c.613dupA (NM_001698.2); c.526dup, p.Met176fs (NM_001306190.2); c.286dup, p.Met96fs (NM_001351431.2, NM_001351432.2, NM_001351433.2); short protein forms M96fs, M176fs, M205fs.
Identifiers: ClinVar variation 5000162 (VCV005000162.1).
Genomic context (GRCh38, chr9:91,296,062, plus strand): 5'-GGGCGTGAACTACTCATACCTCCACCAGGAATAATCGCCAATTTTGTTTCAACCAGGCCC[A>AT]TTTTTGCAGAGGAAGCTAAAACGAAAGAAAGAAAATTAAGTATCATCCATATCATCACAT-3'

ClinVar aggregate classification (germline): Pathogenic (1 of 4 stars; one submission).

Conditions:
AUH-related disorder. Also called: AUH-related condition.

Submission:

PreventionGenetics, part of Exact Sciences
Classification: Pathogenic for AUH-related condition. Last evaluated: 2024-10-17. Review status: criteria provided, single submitter. Criteria: ACMG Guidelines, 2015. Collection method: clinical testing. Allele origin: germline.
Comment: The AUH c.613dupA variant is predicted to result in a frameshift and premature protein termination (p.Met205Asnfs*5). This variant was reported in the compound heterozygous state in an individual with 3-methylglutaconic aciduria type 1 (Patient 5 in Ly et al. 2003. PubMed ID: 12655555). This variant is reported in 0.0018% of alleles in individuals of European (Non-Finnish) descent in gnomAD. Frameshift variants in AUH are expected to be pathogenic. This variant is interpreted as pathogenic.